The following is an entry in ClinVar:

NM_032043.3(BRIP1):c.3671G>T (p.Gly1224Val)

Gene: BRIP1 (BRCA1 interacting DNA helicase 1; minus strand). Cytogenetic location: 17q23.2.
Variant type: single nucleotide variant.
Coding change: c.3671G>T on transcript NM_032043.3 (MANE Select); coding-DNA position 3671, G replaced by T.
Protein change: p.Gly1224Val; replaces glycine 1224 with valine.
Molecular consequence: missense variant.
Genome position (GRCh38, 1-based): chr17:61,683,375, C>A on the plus strand (G>T on the coding strand, the complement: BRIP1 is on the minus strand). VCF-style: chr17-61683375-C-A. GRCh37 (hg19) VCF-style: chr17-59760736-C-A.
Other names: short protein forms G1224V.
Identifiers: ClinVar variation 2564612 (VCV002564612.3), dbSNP rs2544552300, ClinGen allele CA400477857.

ClinVar aggregate classification (germline): Uncertain significance. Review status: criteria provided, multiple submitters, no conflicts (2 of 4 stars). 2 submissions from 2 submitters: Uncertain significance (2). Last evaluated 2025-01-27.

Conditions:
Hereditary cancer-predisposing syndrome. Also called: Neoplastic Syndromes, Hereditary; Hereditary Cancer Syndrome; Hereditary neoplastic syndrome; Tumor predisposition. Identifiers: Orphanet 140162, MedGen C0027672, MeSH D009386, MONDO:0015356.

Submissions (2):

Color Diagnostics, LLC DBA Color Health
Classification: Uncertain significance for Hereditary cancer-predisposing syndrome. Last evaluated: 2025-01-27. Review status: criteria provided, single submitter. Criteria: ACMG Guidelines, 2015. Collection method: clinical testing. Allele origin: germline.
Comment: This missense variant replaces glycine with valine at codon 1224 of the BRIP1 protein. Computational prediction suggests that this variant may not impact protein structure and function (internally defined REVEL score threshold <= 0.5, PMID: 27666373). To our knowledge, functional studies have not been reported for this variant. This variant has not been reported in individuals affected with BRIP1-related disorders in the literature. This variant has not been identified in the general population by the Genome Aggregation Database (gnomAD). The available evidence is insufficient to determine the role of this variant in disease conclusively. Therefore, this variant is classified as a Variant of Uncertain Significance.

Ambry Genetics
Classification: Uncertain significance for Hereditary cancer-predisposing syndrome. Last evaluated: 2023-06-05. Review status: criteria provided, single submitter. Criteria: Ambry Variant Classification Scheme 2023. Collection method: clinical testing. Allele origin: germline.
Comment: The p.G1224V variant (also known as c.3671G>T), located in coding exon 19 of the BRIP1 gene, results from a G to T substitution at nucleotide position 3671. The glycine at codon 1224 is replaced by valine, an amino acid with dissimilar properties. This amino acid position is conserved. In addition, this alteration is predicted to be tolerated by in silico analysis. Since supporting evidence is limited at this time, the clinical significance of this alteration remains unclear.